The following is an entry in ClinVar:

NM_001099402.2(CCNK):c.1446G>C (p.Pro482=)

Genes: CCDC85C (coiled-coil domain containing 85C; minus strand), CCNK (cyclin K; plus strand). Cytogenetic location: 14q32.2.
Variant type: single nucleotide variant.
Coding change: c.1446G>C on transcript NM_001099402.2 (MANE Select); coding-DNA position 1446, G replaced by C.
Protein change: p.Pro482=; no amino-acid change (proline 482 retained).
Molecular consequence: synonymous variant. On other transcripts: 3 prime UTR variant (1).
Genome position (GRCh38, 1-based): chr14:99,510,485, G>C. VCF-style: chr14-99510485-G-C. GRCh37 (hg19) VCF-style: chr14-99976822-G-C.
Other names: c.*4761C>G (NM_001144995.2).
Identifiers: ClinVar variation 402506 (VCV000402506.4), dbSNP rs746815273, ClinGen allele CA16609756.

ClinVar aggregate classification (germline): Likely benign (1 of 4 stars; one submission).

Submission:

Laboratory for Molecular Medicine, Mass General Brigham Personalized Medicine
Classification: Likely benign. Last evaluated: 2016-03-28. Review status: criteria provided, single submitter. Criteria: LMM Criteria. Collection method: clinical testing. Allele origin: germline.
Comment: Variant identified in a genome or exome case(s) and assessed due to predicted null impact of the variant or pathogenic assertions in the literature or databases. Disclaimer: This variant has not undergone full assessment. The following are preliminary notes: same variant as above, silent no splice impact